The following is an entry in ClinVar:

NM_001035.3(RYR2):c.2899C>T (p.Pro967Ser)

Gene: RYR2 (ryanodine receptor 2; plus strand). Cytogenetic location: 1q43.
Variant type: single nucleotide variant.
Coding change: c.2899C>T on transcript NM_001035.3 (MANE Select); coding-DNA position 2899, C replaced by T.
Protein change: p.Pro967Ser; replaces proline 967 with serine.
Molecular consequence: missense variant.
Genome position (GRCh38, 1-based): chr1:237,530,503, C>T. VCF-style: chr1-237530503-C-T. GRCh37 (hg19) VCF-style: chr1-237693803-C-T.
Other names: c.2899C>T, p.Pro967Ser (LRG_402t1); short protein forms P967S.
Identifiers: ClinVar variation 570855 (VCV000570855.12), dbSNP rs1558977048, ClinGen allele CA345388265.

ClinVar aggregate classification (germline): Uncertain significance (1 of 4 stars; one submission).

Conditions:
Catecholaminergic polymorphic ventricular tachycardia 1. Also called: RYR2-Related Catecholaminergic Polymorphic Ventricular Tachycardia; VENTRICULAR TACHYCARDIA, CATECHOLAMINERGIC POLYMORPHIC, 1, WITH OR WITHOUT ATRIAL DYSFUNCTION AND/OR DILATED CARDIOMYOPATHY; VENTRICULAR TACHYCARDIA, STRESS-INDUCED POLYMORPHIC 1. Identifiers: Orphanet 3286, MedGen C1631597, MONDO:0011484, OMIM 604772.

Allele frequency attached by ClinVar (database versions not stated): TOPMed below 0.00001.

Submission:

Labcorp Genetics (formerly Invitae), Labcorp
Classification: Uncertain significance for Catecholaminergic polymorphic ventricular tachycardia 1. Last evaluated: 2019-10-28. Review status: criteria provided, single submitter. Criteria: Invitae Variant Classification Sherloc (09022015). Collection method: clinical testing. Allele origin: germline.
Comment: In summary, the available evidence is currently insufficient to determine the role of this variant in disease. Therefore, it has been classified as a Variant of Uncertain Significance. This variant has not been reported in the literature in individuals with RYR2-related conditions. ClinVar contains an entry for this variant (Variation ID: 570855). Algorithms developed to predict the effect of missense changes on protein structure and function are either unavailable or do not agree on the potential impact of this missense change (SIFT: "Deleterious"; PolyPhen-2: "Benign"; Align-GVGD: "Class C65"). This variant is not present in population databases (ExAC no frequency). This sequence change replaces proline with serine at codon 967 of the RYR2 protein (p.Pro967Ser). The proline residue is highly conserved and there is a moderate physicochemical difference between proline and serine.